The following is an entry in ClinVar:

NM_004285.4(H6PD):c.1156T>C (p.Trp386Arg)

Gene: H6PD (hexose-6-phosphate dehydrogenase/glucose 1-dehydrogenase; plus strand). Cytogenetic location: 1p36.22.
Variant type: single nucleotide variant.
Coding change: c.1156T>C on transcript NM_004285.4 (MANE Select); coding-DNA position 1156, T replaced by C.
Protein change: p.Trp386Arg; replaces tryptophan 386 with arginine.
Molecular consequence: missense variant.
Genome position (GRCh38, 1-based): chr1:9,263,649, T>C. VCF-style: chr1-9263649-T-C. GRCh37 (hg19) VCF-style: chr1-9323708-T-C.
Other names: c.1189T>C, p.Trp397Arg (NM_001282587.2); short protein forms W386R, W397R.
Identifiers: ClinVar variation 3766060 (VCV003766060.1).
Genomic context (GRCh38, chr1:9,263,649, plus strand): 5'-GTGGGCTACGCTCGGATCTTGTTCAAGAACCAGGCCTGCTGTGTGCAGAGCGAAAAGCAC[T>C]GGGCCGCGGCGCAGAGCCAGTGCCTGCCCCGGCAGCTCGTCTTCCACATCGGCCATGGCG-3'
Protein context (NP_004276.2, residues 376-396): QACCVQSEKH[Trp386Arg]AAAQSQCLPR

ClinVar aggregate classification (germline): Uncertain significance (1 of 4 stars; one submission).

Submission:

GeneDx
Classification: Uncertain significance. Last evaluated: 2024-09-03. Review status: criteria provided, single submitter. Criteria: GeneDx Variant Classification Process June 2021. Collection method: clinical testing. Allele origin: germline. Affected: yes.
Comment: Not observed at significant frequency in large population cohorts (gnomAD); In silico analysis indicates that this missense variant does not alter protein structure/function; Has not been previously published as pathogenic or benign to our knowledge